The following is an entry in ClinVar:

NM_001845.6(COL4A1):c.2313G>A (p.Ala771=)

Gene: COL4A1 (collagen type IV alpha 1 chain; minus strand). Cytogenetic location: 13q34.
Variant type: single nucleotide variant.
Coding change: c.2313G>A on transcript NM_001845.6 (MANE Select); coding-DNA position 2313, G replaced by A.
Protein change: p.Ala771=; no amino-acid change (alanine 771 retained).
Molecular consequence: synonymous variant.
Genome position (GRCh38, 1-based): chr13:110,179,302, C>T on the plus strand (G>A on the coding strand, the complement: COL4A1 is on the minus strand). VCF-style: chr13-110179302-C-T. GRCh37 (hg19) VCF-style: chr13-110831649-C-T.
Identifiers: ClinVar variation 493136 (VCV000493136.51), dbSNP rs781701888, ClinGen allele CA7047643.
Genomic context (GRCh38, chr13:110,179,302, plus strand): 5'-ACCCTCCAGACTGATCTGCATGAAGTTACCTCTGATCCCCTGAAGCCCAGGGGGTCCGAT[C>T]GCTCCATGTTCTCCAGGAACGCCTGGTACCCCAATGCTCCCCTTCTCCCCGGGTGTGCCA-3'
Protein context (NP_001836.3, residues 761-781): GVPGVPGEHG[Ala771=]IGPPGLQGIR

ClinVar aggregate classification (germline): Likely benign. Review status: criteria provided, multiple submitters, no conflicts (2 of 4 stars). 3 submissions from 3 submitters: Likely benign (3). Last evaluated 2025-02-08.

Allele frequency attached by ClinVar (database versions not stated): ExAC 0.00002; gnomAD exomes 0.00002; TOPMed 0.00002.
gnomAD v4.1: 30 of 1,614,146 alleles (0.0019%); highest among the groups gnomAD compares: Admixed American, 0.0067%; no homozygotes.

Submissions (3):

Labcorp Genetics (formerly Invitae), Labcorp
Classification: Likely benign. Last evaluated: 2025-02-08. Review status: criteria provided, single submitter. Criteria: Invitae Variant Classification Sherloc (09022015). Collection method: clinical testing. Allele origin: germline.

CeGaT Center for Human Genetics Tuebingen
Classification: Likely benign. Last evaluated: 2024-12-01. Review status: criteria provided, single submitter. Criteria: CeGaT Center For Human Genetics Tuebingen Variant Classification Criteria Version 2. Collection method: clinical testing. Allele origin: germline. Affected: yes. Observed: 2 variant alleles.
Comment: COL4A1: BP4, BP7

Blueprint Genetics
Classification: Likely benign. Last evaluated: 2023-05-09. Review status: criteria provided, single submitter. Criteria: ACMG Guidelines, 2015. Collection method: clinical testing. Allele origin: germline.